The following is an entry in ClinVar:

NM_007118.4(TRIO):c.8216T>C (p.Leu2739Pro)

Genes: TRIO (trio Rho guanine nucleotide exchange factor; plus strand), LOC126807323 (CDK7 strongly-dependent group 2 enhancer GRCh37_chr5:14497716-14498915; plus strand). Cytogenetic location: 5p15.2.
Variant type: single nucleotide variant.
Coding change: c.8216T>C on transcript NM_007118.4 (MANE Select); coding-DNA position 8216, T replaced by C.
Protein change: p.Leu2739Pro; replaces leucine 2739 with proline.
Molecular consequence: missense variant. On other transcripts: non-coding transcript variant (1).
Genome position (GRCh38, 1-based): chr5:14,498,524, T>C. VCF-style: chr5-14498524-T-C. GRCh37 (hg19) VCF-style: chr5-14498633-T-C.
Other names: short protein forms L2739P.
Identifiers: ClinVar variation 727580 (VCV000727580.13), dbSNP rs148564401, ClinGen allele CA3207796.

ClinVar aggregate classification (germline): Benign/Likely benign. Review status: criteria provided, multiple submitters, no conflicts (2 of 4 stars). 4 submissions from 4 submitters: Benign (3); Likely benign (1). Last evaluated 2025-03-01.

Allele frequency attached by ClinVar (database versions not stated): gnomAD exomes 0.00018 and 0.00048; ExAC 0.00067; gnomAD 0.00198 and 0.00207; TOPMed 0.00202; ESP Exome Variant Server 0.00231; 1000 Genomes Project 0.00280; 1000 Genomes Project 30x 0.00312.
gnomAD v4.1: 579 of 1,614,012 alleles (0.036%); highest among the groups gnomAD compares: African/African-American, 0.67%; 1 homozygote.

Submissions (4):

CeGaT Center for Human Genetics Tuebingen
Classification: Benign. Last evaluated: 2025-03-01. Review status: criteria provided, single submitter. Criteria: CeGaT Center For Human Genetics Tuebingen Variant Classification Criteria Version 2. Collection method: clinical testing. Allele origin: germline. Affected: yes. Observed: 1 variant allele.
Comment: TRIO: BP4, BS1, BS2

Blueprint Genetics
Classification: Likely benign. Last evaluated: 2024-07-05. Review status: criteria provided, single submitter. Criteria: ACMG Guidelines, 2015. Collection method: clinical testing. Allele origin: germline.

Labcorp Genetics (formerly Invitae), Labcorp
Classification: Benign. Last evaluated: 2019-12-31. Review status: criteria provided, single submitter. Criteria: Invitae Variant Classification Sherloc (09022015). Collection method: clinical testing. Allele origin: germline.

GeneDx
Classification: Benign. Last evaluated: 2019-08-23. Review status: criteria provided, single submitter. Criteria: GeneDx Variant Classification Process June 2021. Collection method: clinical testing. Allele origin: germline. Affected: yes.